The following is an entry in ClinVar:

ClinVar aggregate classification (germline): Uncertain significance (1 of 4 stars; one submission).

gnomAD v4.1: 1 of 1,606,946 alleles (0.000062%); highest among the groups gnomAD compares: East Asian, 0.0022%; no homozygotes.

Submission:

Labcorp Genetics (formerly Invitae), Labcorp
Classification: Uncertain significance. Last evaluated: 2025-04-03. Review status: criteria provided, single submitter. Criteria: Invitae Variant Classification Sherloc (09022015). Collection method: clinical testing. Allele origin: germline.
Comment: This sequence change replaces tyrosine, which is neutral and polar, with histidine, which is basic and polar, at codon 473 of the DDX58 protein (p.Tyr473His). This variant is not present in population databases (gnomAD no frequency). This variant has not been reported in the literature in individuals affected with DDX58-related conditions. ClinVar contains an entry for this variant (Variation ID: 3689630). Invitae Evidence Modeling of protein sequence and biophysical properties (such as structural, functional, and spatial information, amino acid conservation, physicochemical variation, residue mobility, and thermodynamic stability) indicates that this missense variant is not expected to disrupt DDX58 protein function with a negative predictive value of 80%. In summary, the available evidence is currently insufficient to determine the role of this variant in disease. Therefore, it has been classified as a Variant of Uncertain Significance.

NM_014314.4(RIGI):c.1417T>C (p.Tyr473His)

Gene: RIGI (RNA sensor RIG-I; minus strand). Cytogenetic location: 9p21.1.
Variant type: single nucleotide variant.
Coding change: c.1417T>C on transcript NM_014314.4 (MANE Select); coding-DNA position 1417, T replaced by C.
Protein change: p.Tyr473His; replaces tyrosine 473 with histidine.
Molecular consequence: missense variant.
Genome position (GRCh38, 1-based): chr9:32,485,238, A>G on the plus strand (T>C on the coding strand, the complement: RIGI is on the minus strand). VCF-style: chr9-32485238-A-G. GRCh37 (hg19) VCF-style: chr9-32485236-A-G.
Other names: c.1411T>C, p.Tyr471His (NM_001385907.1); c.1417T>C, p.Tyr473His (NM_001385909.1); c.976T>C, p.Tyr326His (NM_001385910.1); c.808T>C, p.Tyr270His (NM_001385912.1); c.1402T>C, p.Tyr468His (NM_001385913.1); c.973T>C, p.Tyr325His (NM_001385914.1); short protein forms Y468H, Y270H, Y325H, Y473H, Y326H, Y471H.
Identifiers: ClinVar variation 3689630 (VCV003689630.2).